The following is an entry in ClinVar:

NM_001080449.3(DNA2):c.2153G>T (p.Cys718Phe)

Gene: DNA2 (DNA replication helicase/nuclease 2; minus strand). Cytogenetic location: 10q21.3.
Variant type: single nucleotide variant.
Coding change: c.2153G>T on transcript NM_001080449.3 (MANE Select); coding-DNA position 2153, G replaced by T.
Protein change: p.Cys718Phe; replaces cysteine 718 with phenylalanine.
Molecular consequence: missense variant. On other transcripts: non-coding transcript variant (1).
Genome position (GRCh38, 1-based): chr10:68,430,491, C>A on the plus strand (G>T on the coding strand, the complement: DNA2 is on the minus strand). VCF-style: chr10-68430491-C-A. GRCh37 (hg19) VCF-style: chr10-70190248-C-A.
Other names: short protein forms C718F.
Identifiers: ClinVar variation 449651 (VCV000449651.48), dbSNP rs147096750, ClinGen allele CA5524889.

ClinVar aggregate classification (germline): Benign/Likely benign. Review status: criteria provided, multiple submitters, no conflicts (2 of 4 stars). 7 submissions from 7 submitters: Benign (1); Likely benign (4). 2 of the submissions do not count toward it. Last evaluated 2026-09-01.

Conditions:
DNA2-related disorder. Also called: DNA2-related condition.

Allele frequency attached by ClinVar (database versions not stated): 1000 Genomes Project 30x 0.00094; 1000 Genomes Project 0.00120; TOPMed 0.00176; ESP Exome Variant Server 0.00295; gnomAD exomes 0.00314; gnomAD 0.00345 and 0.00367; ExAC 0.00434.
gnomAD v4.1: 5,353 of 1,611,764 alleles (0.33%); highest among the groups gnomAD compares: Non-Finnish European, 0.37%; 29 homozygotes.

Submissions (7):

CeGaT Center for Human Genetics Tuebingen
Classification: Likely benign. Last evaluated: 2026-09-01. Review status: criteria provided, single submitter. Criteria: CeGaT Center For Human Genetics Tuebingen Variant Classification Criteria Version 2. Collection method: clinical testing. Allele origin: germline. Affected: yes. Observed: 26 variant alleles.
Comment: DNA2: BS2

Labcorp Genetics (formerly Invitae), Labcorp
Classification: Benign. Last evaluated: 2026-02-01. Review status: criteria provided, single submitter. Criteria: Invitae Variant Classification Sherloc (09022015). Collection method: clinical testing. Allele origin: germline.

Blueprint Genetics
Classification: Likely benign. Last evaluated: 2024-11-26. Review status: criteria provided, single submitter. Criteria: ACMG Guidelines, 2015. Collection method: clinical testing. Allele origin: germline.

GeneDx
Classification: Likely benign. Last evaluated: 2021-03-10. Review status: criteria provided, single submitter. Criteria: GeneDx Variant Classification Process June 2021. Collection method: clinical testing. Allele origin: germline. Affected: yes.
Comment: This variant is associated with the following publications: (PMID: 25638290)

Breakthrough Genomics
Classification: Likely benign. Review status: criteria provided, single submitter. Criteria: ACMG Guidelines, 2015. Collection method: not provided. Allele origin: germline. Inheritance: Autosomal recessive inheritance. Affected: yes.

PreventionGenetics, part of Exact Sciences
Classification: Benign for DNA2-related condition. Last evaluated: 2019-05-17. Review status: no assertion criteria provided. Collection method: clinical testing. Allele origin: germline. Not counted in ClinVar's aggregate classification.
Comment: This variant is classified as benign based on ACMG/AMP sequence variant interpretation guidelines (Richards et al. 2015 PMID: 25741868, with internal and published modifications).

Mayo Clinic Laboratories, Mayo Clinic
Classification: Uncertain significance. Last evaluated: 2017-10-12. Review status: no assertion criteria provided. Collection method: clinical testing. Allele origin: unknown. Not counted in ClinVar's aggregate classification.